The following is an entry in ClinVar:

ClinVar aggregate classification (germline): Pathogenic (1 of 4 stars; one submission).

Conditions:
Bardet-Biedl syndrome (BBS). Identifiers: Orphanet 110, MedGen C0752166, MONDO:0015229.

Submission:

Labcorp Genetics (formerly Invitae), Labcorp
Classification: Pathogenic for Bardet-Biedl syndrome. Last evaluated: 2023-11-25. Review status: criteria provided, single submitter. Criteria: Invitae Variant Classification Sherloc (09022015). Collection method: clinical testing. Allele origin: unknown.
Comment: This variant is a gross deletion of the genomic region encompassing exon(s) 18-19 of the BBS9 gene. This deletion is out-of-frame, and is expected to create a premature termination codon and result in an absent or disrupted protein product. Loss-of-function variants in BBS9 are known to be pathogenic (PMID: 16380913, 20177705). This variant has not been reported in the literature in individuals affected with BBS9-related conditions. For these reasons, this variant has been classified as Pathogenic.

Literature cited by the submitters: PubMed 16380913; PubMed 20177705.

NC_000007.13:g.(?_33423258)_(33427776_?)del

Gene: BBS9 (Bardet-Biedl syndrome 9; plus strand). Cytogenetic location: 7p14.3.
Variant type: Deletion.
Identifiers: ClinVar variation 3245737 (VCV003245737.1).